The following is an entry in ClinVar:

ClinVar aggregate classification (germline): Uncertain significance (1 of 4 stars; one submission).

Conditions:
Singleton-Merten syndrome 1 (SGMRT1). Also called: Widened medullary cavities of bone, aortic calcification, abnormal dentition, and muscular weakness; Syndrome of widened medullary cavities of the metacarpals and phalanges, aortic calcification and abnormal dentition. Identifiers: Orphanet 85191, MedGen C4225427, MONDO:0024535, OMIM 182250.
Aicardi-Goutieres syndrome 7 (AGS7). Identifiers: Orphanet 51, MedGen C3888244, MONDO:0014367, OMIM 615846.

Submission:

Labcorp Genetics (formerly Invitae), Labcorp
Classification: Uncertain significance for Aicardi-Goutieres syndrome 7; Singleton-Merten syndrome 1. Last evaluated: 2022-07-25. Review status: criteria provided, single submitter. Criteria: Invitae Variant Classification Sherloc (09022015). Collection method: clinical testing. Allele origin: germline.
Comment: Algorithms developed to predict the effect of missense changes on protein structure and function (SIFT, PolyPhen-2, Align-GVGD) all suggest that this variant is likely to be tolerated. ClinVar contains an entry for this variant (Variation ID: 1487849). This variant has not been reported in the literature in individuals affected with IFIH1-related conditions. This variant is not present in population databases (gnomAD no frequency). This sequence change replaces arginine, which is basic and polar, with proline, which is neutral and non-polar, at codon 77 of the IFIH1 protein (p.Arg77Pro). In summary, the available evidence is currently insufficient to determine the role of this variant in disease. Therefore, it has been classified as a Variant of Uncertain Significance.

NM_022168.4(IFIH1):c.230G>C (p.Arg77Pro)

Gene: IFIH1 (interferon induced with helicase C domain 1; minus strand). Cytogenetic location: 2q24.2.
Variant type: single nucleotide variant.
Coding change: c.230G>C on transcript NM_022168.4 (MANE Select); coding-DNA position 230, G replaced by C.
Protein change: p.Arg77Pro; replaces arginine 77 with proline.
Molecular consequence: missense variant.
Genome position (GRCh38, 1-based): chr2:162,318,078, C>G on the plus strand (G>C on the coding strand, the complement: IFIH1 is on the minus strand). VCF-style: chr2-162318078-C-G. GRCh37 (hg19) VCF-style: chr2-163174588-C-G.
Other names: short protein forms R77P.
Identifiers: ClinVar variation 1487849 (VCV001487849.6), dbSNP rs367851471, ClinGen allele CA349013803.